The following is an entry in ClinVar:

ClinVar aggregate classification (germline): Likely benign (0 of 4 stars; one submission).

Conditions:
GIT1-related disorder. Also called: GIT1-related condition.

Allele frequency attached by ClinVar (database versions not stated): gnomAD exomes 0.00007; ExAC 0.00017; gnomAD 0.00042; TOPMed 0.00049; 1000 Genomes Project 0.00060; 1000 Genomes Project 30x 0.00062; ESP Exome Variant Server 0.00062.
gnomAD v4.1: 174 of 1,612,626 alleles (0.011%); highest among the groups gnomAD compares: African/African-American, 0.16%; 1 homozygote.

Submission:

PreventionGenetics, part of Exact Sciences
Classification: Likely benign for GIT1-related condition. Last evaluated: 2019-05-21. Review status: no assertion criteria provided. Collection method: clinical testing. Allele origin: germline.
Comment: This variant is classified as likely benign based on ACMG/AMP sequence variant interpretation guidelines (Richards et al. 2015 PMID: 25741868, with internal and published modifications).

NM_014030.4(GIT1):c.663G>A (p.Glu221=)

Genes: GIT1 (GIT ArfGAP 1; minus strand), TP53I13 (tumor protein p53 inducible protein 13; plus strand). Cytogenetic location: 17q11.2.
Variant type: single nucleotide variant.
Coding change: c.663G>A on transcript NM_014030.4 (MANE Select); coding-DNA position 663, G replaced by A.
Protein change: p.Glu221=; no amino-acid change (glutamic acid 221 retained).
Molecular consequence: synonymous variant.
Genome position (GRCh38, 1-based): chr17:29,581,797, C>T on the plus strand (G>A on the coding strand, the complement: GIT1 is on the minus strand). VCF-style: chr17-29581797-C-T. GRCh37 (hg19) VCF-style: chr17-27908815-C-T.
Other names: c.663G>A, p.Glu221= (NM_001085454.2).
Identifiers: ClinVar variation 3039427 (VCV003039427.2), dbSNP rs113144830, ClinGen allele CA8476341.